The following is an entry in ClinVar:

ClinVar aggregate classification (germline): Uncertain significance (1 of 4 stars; one submission).

Conditions:
Hypertrophic cardiomyopathy. Also called: HYPERTROPHIC MYOCARDIOPATHY. Identifiers: Orphanet 217569, MedGen C0007194, MeSH D002312, MONDO:0005045, HP:0001639.

Submission:

Labcorp Genetics (formerly Invitae), Labcorp
Classification: Uncertain significance for Hypertrophic cardiomyopathy. Last evaluated: 2021-09-02. Review status: criteria provided, single submitter. Criteria: Invitae Variant Classification Sherloc (09022015). Collection method: clinical testing. Allele origin: germline.
Comment: In summary, the available evidence is currently insufficient to determine the role of this variant in disease. Therefore, it has been classified as a Variant of Uncertain Significance. ClinVar contains an entry for this variant (Variation ID: 525011). This premature translational stop signal has been observed in at least one individual who was not affected with MYH7-related conditions (Invitae). This variant has not been reported in the literature in individuals affected with MYH7-related conditions. This variant is not present in population databases (ExAC no frequency). This sequence change creates a premature translational stop signal (p.Tyr801*) in the MYH7 gene. It is expected to result in an absent or disrupted protein product. However, the current clinical and genetic evidence is not sufficient to establish whether loss-of-function variants in MYH7 cause disease.

NM_000257.4(MYH7):c.2403C>G (p.Tyr801Ter)

Genes: MYH7 (myosin heavy chain 7; minus strand), LOC126861898 (BRD4-independent group 4 enhancer GRCh37_chr14:23893609-23894808; plus strand). Cytogenetic location: 14q11.2.
Variant type: single nucleotide variant.
Coding change: c.2403C>G on transcript NM_000257.4 (MANE Select); coding-DNA position 2403, C replaced by G.
Protein change: p.Tyr801Ter; replaces tyrosine 801 with a stop codon.
Molecular consequence: nonsense.
Genome position (GRCh38, 1-based): chr14:23,425,302, G>C on the plus strand (C>G on the coding strand, the complement: MYH7 is on the minus strand). VCF-style: chr14-23425302-G-C. GRCh37 (hg19) VCF-style: chr14-23894511-G-C.
Other names: short protein forms Y801*.
Identifiers: ClinVar variation 525011 (VCV000525011.7), dbSNP rs775113608, ClinGen allele CA389048490.